The following is an entry in ClinVar:

ClinVar aggregate classification (germline): Benign (1 of 4 stars; one submission).

Conditions:
Hereditary diffuse gastric adenocarcinoma (HDGC). Also called: DIFFUSE GASTRIC AND LOBULAR BREAST CANCER SYNDROME. Identifiers: Orphanet 26106, MedGen C1708349, MONDO:0007648, OMIM 137215.

Submission:

Myriad Genetics, Inc.
Classification: Benign for Hereditary diffuse gastric adenocarcinoma. Last evaluated: 2024-09-18. Review status: criteria provided, single submitter. Criteria: Myriad Autosomal Dominant, Autosomal Recessive and X-Linked Classification Criteria (2023). Collection method: clinical testing. Allele origin: unknown.
Comment: This variant is considered benign. This variant is a silent/synonymous amino acid change and it is not expected to impact splicing.

NM_004360.5(CDH1):c.1293C>T (p.Asn431=)

Gene: CDH1 (cadherin 1; plus strand). Cytogenetic location: 16q22.1.
Variant type: single nucleotide variant.
Coding change: c.1293C>T on transcript NM_004360.5 (MANE Select); coding-DNA position 1293, C replaced by T.
Protein change: p.Asn431=; no amino-acid change (asparagine 431 retained).
Molecular consequence: synonymous variant. On other transcripts: 5 prime UTR variant (2), intron variant (1).
Genome position (GRCh38, 1-based): chr16:68,813,468, C>T. VCF-style: chr16-68813468-C-T. GRCh37 (hg19) VCF-style: chr16-68847371-C-T.
Other names: c.-323C>T (NM_001317185.2); c.-527C>T (NM_001317186.2); c.1137+1205C>T (NM_001317184.2).
Identifiers: ClinVar variation 3378573 (VCV003378573.1).
Genomic context (GRCh38, chr16:68,813,468, plus strand): 5'-TGTATACACCATATTGAATGATGATGGTGGACAATTTGTCGTCACCACAAATCCAGTGAA[C>T]AACGATGGCATTTTGAAAACAGCAAAGGTTTGTATGGTACCTGGCAAGATGCAGAAACTG-3'
Protein context (NP_004351.1, residues 421-441): GQFVVTTNPV[Asn431=]NDGILKTAKG